The following is an entry in ClinVar:

NM_002609.4(PDGFRB):c.2914C>A (p.Gln972Lys)

Gene: PDGFRB (platelet derived growth factor receptor beta; minus strand). Cytogenetic location: 5q32.
Variant type: single nucleotide variant.
Coding change: c.2914C>A on transcript NM_002609.4 (MANE Select); coding-DNA position 2914, C replaced by A.
Protein change: p.Gln972Lys; replaces glutamine 972 with lysine.
Molecular consequence: missense variant.
Genome position (GRCh38, 1-based): chr5:150,117,841, G>T on the plus strand (C>A on the coding strand, the complement: PDGFRB is on the minus strand). VCF-style: chr5-150117841-G-T. GRCh37 (hg19) VCF-style: chr5-149497404-G-T.
Other names: c.2722C>A, p.Gln908Lys (NM_001355016.2); c.2431C>A, p.Gln811Lys (NM_001355017.2); short protein forms Q972K, Q811K, Q908K.
Identifiers: ClinVar variation 2281052 (VCV002281052.3), dbSNP rs1411722144, ClinGen allele CA361756631.

ClinVar aggregate classification (germline): Uncertain significance. Review status: criteria provided, multiple submitters, no conflicts (2 of 4 stars). 2 submissions from 2 submitters: Uncertain significance (2). Last evaluated 2024-07-31.

Conditions:
Skeletal overgrowth-craniofacial dysmorphism-hyperelastic skin-white matter lesions syndrome. Also called: SKELETAL OVERGROWTH WITH FACIAL DYSMORPHISM, HYPERELASTIC SKIN, WHITE MATTER LESIONS, AND NEUROLOGIC DETERIORATION; Kosaki overgrowth syndrome. Identifiers: Orphanet 477831, MedGen C4225270, MONDO:0014704, OMIM 616592.
Inborn genetic diseases. Identifiers: MedGen C0950123, MeSH D030342.

Allele frequency attached by ClinVar (database versions not stated): gnomAD exomes below 0.00001; TOPMed 0.00001.
gnomAD v4.1: 7 of 1,603,592 alleles (0.00044%); highest among the groups gnomAD compares: Non-Finnish European, 0.000085%; no homozygotes.

Submissions (2):

Clinical Genomics Laboratory, Washington University in St. Louis
Classification: Uncertain significance for Skeletal overgrowth-craniofacial dysmorphism-hyperelastic skin-white matter lesions syndrome. Last evaluated: 2024-07-31. Review status: criteria provided, single submitter. Criteria: ACMG Guidelines, 2015. Collection method: clinical testing. Allele origin: germline.
Comment: The PDGFRB c.2914C>A (p.Gln972Lys) variant was identified at a near heterozygous allele fraction of 48%, a frequency which may be consistent with it being of germline origin. This variant, to our knowledge, has not been reported in the medical literature. This variant is only observed on 7/1,603,592 alleles in the general population (gnomAD v4.1.0), indicating it is not a common variant. This variant has been reported in the ClinVar database as a germline variant of uncertain significance by one submitter (ClinVar ID: 2281052). Computational predictors suggest that this does not impact PDGFRB function. Due to limited information, and based on ACMG/AMP guidelines for variant interpretation (Richards S et al., PMID: 25741868), the clinical significance of the PDGFRB c.2914C>A (p.Gln972Lys) variant is uncertain at this time.

Ambry Genetics
Classification: Uncertain significance for Inborn genetic diseases. Last evaluated: 2022-03-31. Review status: criteria provided, single submitter. Criteria: Ambry Variant Classification Scheme 2023. Collection method: clinical testing. Allele origin: germline.